The following is an entry in ClinVar:

NM_017999.5(RNF31):c.1861C>T (p.Arg621Cys)

Gene: RNF31 (ring finger protein 31; plus strand). Cytogenetic location: 14q12.
Variant type: single nucleotide variant.
Coding change: c.1861C>T on transcript NM_017999.5 (MANE Select); coding-DNA position 1861, C replaced by T.
Protein change: p.Arg621Cys; replaces arginine 621 with cysteine.
Molecular consequence: missense variant.
Genome position (GRCh38, 1-based): chr14:24,151,608, C>T. VCF-style: chr14-24151608-C-T. GRCh37 (hg19) VCF-style: chr14-24620817-C-T.
Other names: c.1408C>T, p.Arg470Cys (NM_001310332.2); short protein forms R621C, R470C.
Identifiers: ClinVar variation 2902527 (VCV002902527.3), dbSNP rs771019988, ClinGen allele CA7125902.

ClinVar aggregate classification (germline): Uncertain significance (1 of 4 stars; one submission).

Allele frequency attached by ClinVar (database versions not stated): gnomAD 0.00001; TOPMed 0.00001; ExAC 0.00002; gnomAD exomes 0.00002.
gnomAD v4.1: 40 of 1,613,660 alleles (0.0025%); highest among the groups gnomAD compares: Non-Finnish European, 0.0029%; no homozygotes.

Submission:

Labcorp Genetics (formerly Invitae), Labcorp
Classification: Uncertain significance. Last evaluated: 2023-06-29. Review status: criteria provided, single submitter. Criteria: Invitae Variant Classification Sherloc (09022015). Collection method: clinical testing. Allele origin: germline.
Comment: In summary, the available evidence is currently insufficient to determine the role of this variant in disease. Therefore, it has been classified as a Variant of Uncertain Significance. An algorithm developed to predict the effect of missense changes on protein structure and function (PolyPhen-2) suggests that this variant is likely to be tolerated. This variant has not been reported in the literature in individuals affected with RNF31-related conditions. This variant is present in population databases (rs771019988, gnomAD 0.003%). This sequence change replaces arginine, which is basic and polar, with cysteine, which is neutral and slightly polar, at codon 621 of the RNF31 protein (p.Arg621Cys).